The following is an entry in ClinVar:

ClinVar aggregate classification (germline): Conflicting classifications of pathogenicity. Review status: criteria provided, conflicting classifications (1 of 4 stars). 4 submissions from 4 submitters: Uncertain significance (1); Likely benign (2). 1 of the submissions does not count toward it. Last evaluated 2025-12-23.

Conditions:
CACNA1F-related disorder. Also called: CACNA1F-related condition.

Allele frequency attached by ClinVar (database versions not stated): gnomAD exomes 0.00008 and 0.00018; ESP Exome Variant Server 0.00076; 1000 Genomes Project 0.00079; gnomAD 0.00082 and 0.00086; ExAC 0.00041; 1000 Genomes Project 30x 0.00062; TOPMed 0.00071.
gnomAD v4.1: 166 of 1,115,324 alleles (0.015%); highest among the groups gnomAD compares: African/African-American, 0.29%; no homozygotes.

Submissions (4):

Labcorp Genetics (formerly Invitae), Labcorp
Classification: Likely benign. Last evaluated: 2025-12-23. Review status: criteria provided, single submitter. Criteria: Invitae Variant Classification Sherloc (09022015). Collection method: clinical testing. Allele origin: germline.

Blueprint Genetics
Classification: Likely benign. Last evaluated: 2024-04-15. Review status: criteria provided, single submitter. Criteria: ACMG Guidelines, 2015. Collection method: clinical testing. Allele origin: germline.

Eurofins Ntd Llc (ga)
Classification: Uncertain significance. Last evaluated: 2016-05-24. Review status: criteria provided, single submitter. Criteria: EGL Classification Definitions 2015. Collection method: clinical testing. Allele origin: germline. Observed: 1 variant allele, 1 heterozygote.

PreventionGenetics, part of Exact Sciences
Classification: Likely benign for CACNA1F-related condition. Last evaluated: 2024-08-26. Review status: no assertion criteria provided. Collection method: clinical testing. Allele origin: germline. Not counted in ClinVar's aggregate classification.
Comment: This variant is classified as likely benign based on ACMG/AMP sequence variant interpretation guidelines (Richards et al. 2015 PMID: 25741868, with internal and published modifications).

NM_001256789.3(CACNA1F):c.2764G>A (p.Gly922Ser)

Gene: CACNA1F (calcium voltage-gated channel subunit alpha1 F; minus strand). Cytogenetic location: Xp11.23.
Variant type: single nucleotide variant.
Coding change: c.2764G>A on transcript NM_001256789.3 (MANE Select); coding-DNA position 2764, G replaced by A.
Protein change: p.Gly922Ser; replaces glycine 922 with serine.
Molecular consequence: missense variant.
Genome position (GRCh38, 1-based): chrX:49,218,705, C>T on the plus strand (G>A on the coding strand, the complement: CACNA1F is on the minus strand). VCF-style: chrX-49218705-C-T. GRCh37 (hg19) VCF-style: chrX-49075164-C-T.
Other names: c.2602G>A, p.Gly868Ser (NM_001256790.3); c.2797G>A, p.Gly933Ser (NM_005183.4); short protein forms G933S, G922S, G868S.
Identifiers: ClinVar variation 287334 (VCV000287334.18), dbSNP rs149685267, ClinGen allele CA10410597.